The following is an entry in ClinVar:

NM_032856.5(WDR73):c.14A>G (p.Asp5Gly)

Gene: WDR73 (WD repeat domain 73; minus strand). Cytogenetic location: 15q25.2.
Variant type: single nucleotide variant.
Coding change: c.14A>G on transcript NM_032856.5 (MANE Select); coding-DNA position 14, A replaced by G.
Protein change: p.Asp5Gly; replaces aspartic acid 5 with glycine.
Molecular consequence: missense variant. On other transcripts: non-coding transcript variant (4).
Genome position (GRCh38, 1-based): chr15:84,654,261, T>C on the plus strand (A>G on the coding strand, the complement: WDR73 is on the minus strand). VCF-style: chr15-84654261-T-C. GRCh37 (hg19) VCF-style: chr15-85197492-T-C.
Other names: short protein forms D5G.
Identifiers: ClinVar variation 1962143 (VCV001962143.5), dbSNP rs930747973, ClinGen allele CA393332643.

ClinVar aggregate classification (germline): Uncertain significance (1 of 4 stars; one submission).

Submission:

Labcorp Genetics (formerly Invitae), Labcorp
Classification: Uncertain significance. Last evaluated: 2022-06-14. Review status: criteria provided, single submitter. Criteria: Invitae Variant Classification Sherloc (09022015). Collection method: clinical testing. Allele origin: germline.
Comment: This sequence change replaces aspartic acid, which is acidic and polar, with glycine, which is neutral and non-polar, at codon 5 of the WDR73 protein (p.Asp5Gly). This variant is not present in population databases (gnomAD no frequency). This variant has not been reported in the literature in individuals affected with WDR73-related conditions. Algorithms developed to predict the effect of missense changes on protein structure and function (SIFT, PolyPhen-2, Align-GVGD) all suggest that this variant is likely to be tolerated. In summary, the available evidence is currently insufficient to determine the role of this variant in disease. Therefore, it has been classified as a Variant of Uncertain Significance.